The following is an entry in ClinVar:

ClinVar aggregate classification (germline): Uncertain significance (1 of 4 stars; one submission).

Allele frequency attached by ClinVar (database versions not stated): gnomAD exomes 0.00001.
gnomAD v4.1: 5 of 1,612,706 alleles (0.00031%); highest among the groups gnomAD compares: Non-Finnish European, 0.00042%; no homozygotes.

Submission:

GeneDx
Classification: Uncertain significance. Last evaluated: 2019-02-07. Review status: criteria provided, single submitter. Criteria: GeneDx Variant Classification Process June 2021. Collection method: clinical testing. Allele origin: germline. Affected: yes.
Comment: Not observed in large population cohorts (Lek et al., 2016); Missense variant in a gene in which most reported pathogenic variants are truncating/loss-of-function; Has not been previously published as pathogenic or benign to our knowledge

NM_001267550.2(TTN):c.47927T>C (p.Val15976Ala)

Genes: TTN (titin; minus strand), TTN-AS1 (TTN antisense RNA 1; plus strand). Cytogenetic location: 2q31.2.
Variant type: single nucleotide variant.
Coding change: c.47927T>C on transcript NM_001267550.2 (MANE Select); coding-DNA position 47927, T replaced by C.
Protein change: p.Val15976Ala; replaces valine 15976 with alanine.
Molecular consequence: missense variant.
Genome position (GRCh38, 1-based): chr2:178,616,962, A>G on the plus strand (T>C on the coding strand, the complement: TTN is on the minus strand). VCF-style: chr2-178616962-A-G. GRCh37 (hg19) VCF-style: chr2-179481689-A-G.
Other names: c.43004T>C, p.Val14335Ala (NM_001256850.1); c.20732T>C, p.Val6911Ala (NM_003319.4); c.40223T>C, p.Val13408Ala (NM_133378.4); c.21107T>C, p.Val7036Ala (NM_133432.3); c.21308T>C, p.Val7103Ala (NM_133437.4); short protein forms V13408A, V14335A, V15976A, V6911A, V7036A, V7103A.
Identifiers: ClinVar variation 1302634 (VCV001302634.2), dbSNP rs2057447237, ClinGen allele CA349612697.
Genomic context (GRCh38, chr2:178,616,962, plus strand): 5'-CAGGTTGCAGTTGGCCTTGGATAGCCTGTACTTGGAACCAGGATCGTGATAGGATTTGGG[A>G]CAATAACTTCCAGACCATCTTTAAATGCACTTAAATCCATTGTTGGTTCAACTACAAAGA-3'
Protein context (NP_001254479.2, residues 15966-15986): SAFKDGLEVI[Val15976Ala]PNPITILVPS